The following is an entry in ClinVar:

NM_004304.5(ALK):c.980C>G (p.Ala327Gly)

Gene: ALK (ALK receptor tyrosine kinase; minus strand). Cytogenetic location: 2p23.2.
Variant type: single nucleotide variant.
Coding change: c.980C>G on transcript NM_004304.5 (MANE Select); coding-DNA position 980, C replaced by G.
Protein change: p.Ala327Gly; replaces alanine 327 with glycine.
Molecular consequence: missense variant.
Genome position (GRCh38, 1-based): chr2:29,532,089, G>C on the plus strand (C>G on the coding strand, the complement: ALK is on the minus strand). VCF-style: chr2-29532089-G-C. GRCh37 (hg19) VCF-style: chr2-29754955-G-C.
Other names: short protein forms A327G.
Identifiers: ClinVar variation 1768278 (VCV001768278.2), dbSNP rs1414553731, ClinGen allele CA346587535.
Genomic context (GRCh38, chr2:29,532,089, plus strand): 5'-AGTGTGCAGTGCTCACTGCTGCTCCTCATCCACGGACTCAGGATGGTGTGCTTGGAGTCA[G>C]CTGAGGTGTTGAGAAGGAGAAAGGAGCCTGGAAAGAGACAGGGAAAACGAATCTGCAGAT-3'
Protein context (NP_004295.2, residues 317-337): RGSFLLLNTS[Ala327Gly]DSKHTILSPW

ClinVar aggregate classification (germline): Uncertain significance (1 of 4 stars; one submission).

Conditions:
Hereditary cancer-predisposing syndrome. Also called: Hereditary Cancer Syndrome; Hereditary neoplastic syndrome; Neoplastic Syndromes, Hereditary; Tumor predisposition. Identifiers: Orphanet 140162, MedGen C0027672, MeSH D009386, MONDO:0015356.

Submission:

Ambry Genetics
Classification: Uncertain significance for Hereditary cancer-predisposing syndrome. Last evaluated: 2022-10-20. Review status: criteria provided, single submitter. Criteria: Ambry Variant Classification Scheme 2023. Collection method: clinical testing. Allele origin: germline.
Comment: The p.A327G variant (also known as c.980C>G), located in coding exon 4 of the ALK gene, results from a C to G substitution at nucleotide position 980. The alanine at codon 327 is replaced by glycine, an amino acid with similar properties. This amino acid position is conserved. In addition, this alteration is predicted to be tolerated by in silico analysis. Since supporting evidence is limited at this time, the clinical significance of this alteration remains unclear.